The following is an entry in ClinVar:

ClinVar aggregate classification (germline): Uncertain significance. Review status: criteria provided, multiple submitters, no conflicts (2 of 4 stars). 2 submissions from 2 submitters: Uncertain significance (2). Last evaluated 2026-01-07.

Conditions:
Bethlem myopathy 2 (BTHLM2). Identifiers: Orphanet 536516, Orphanet 610, MedGen C4225313, MONDO:0034022, OMIM 616471.
Ullrich congenital muscular dystrophy 2 (UCMD2). Identifiers: Orphanet 75840, MedGen C4225314, MONDO:0014654, OMIM 616470.

Allele frequency attached by ClinVar (database versions not stated): TOPMed below 0.00001; gnomAD 0.00001.
gnomAD v4.1: 2 of 1,611,806 alleles (0.00012%); highest among the groups gnomAD compares: African/African-American, 0.0013%; no homozygotes.

Submissions (2):

Labcorp Genetics (formerly Invitae), Labcorp
Classification: Uncertain significance for Bethlem myopathy 2; Ullrich congenital muscular dystrophy 2. Last evaluated: 2026-01-07. Review status: criteria provided, single submitter. Criteria: Invitae Variant Classification Sherloc (09022015). Collection method: clinical testing. Allele origin: germline.
Comment: This sequence change replaces serine, which is neutral and polar, with glycine, which is neutral and non-polar, at codon 1807 of the COL12A1 protein (p.Ser1807Gly). This variant is not present in population databases (gnomAD no frequency). This variant has not been reported in the literature in individuals affected with COL12A1-related conditions. ClinVar contains an entry for this variant (Variation ID: 1690473). Invitae Evidence Modeling of protein sequence and biophysical properties (such as structural, functional, and spatial information, amino acid conservation, physicochemical variation, residue mobility, and thermodynamic stability) has been performed for this missense variant. However, the output from this modeling did not meet the statistical confidence thresholds required to predict the impact of this variant on COL12A1 protein function. In summary, the available evidence is currently insufficient to determine the role of this variant in disease. Therefore, it has been classified as a Variant of Uncertain Significance.

Laboratorio de Genetica e Diagnostico Molecular, Hospital Israelita Albert Einstein
Classification: Uncertain significance. Last evaluated: 2021-10-19. Review status: criteria provided, single submitter. Criteria: ACMG Guidelines, 2015. Collection method: clinical testing. Allele origin: germline. Affected: yes.
Comment: ACMG classification criteria: PM2, BP4

NM_004370.6(COL12A1):c.5419A>G (p.Ser1807Gly)

Gene: COL12A1 (collagen type XII alpha 1 chain; minus strand). Cytogenetic location: 6q13.
Variant type: single nucleotide variant.
Coding change: c.5419A>G on transcript NM_004370.6 (MANE Select); coding-DNA position 5419, A replaced by G.
Protein change: p.Ser1807Gly; replaces serine 1807 with glycine.
Molecular consequence: missense variant.
Genome position (GRCh38, 1-based): chr6:75,134,831, T>C on the plus strand (A>G on the coding strand, the complement: COL12A1 is on the minus strand). VCF-style: chr6-75134831-T-C. GRCh37 (hg19) VCF-style: chr6-75844547-T-C.
Other names: c.1927A>G, p.Ser643Gly (NM_080645.3); short protein forms S1807G, S643G.
Identifiers: ClinVar variation 1690473 (VCV001690473.3), dbSNP rs1766503980, ClinGen allele CA364736442.